The following is an entry in ClinVar:

ClinVar aggregate classification (germline): Conflicting classifications of pathogenicity. Review status: criteria provided, conflicting classifications (1 of 4 stars). 3 submissions from 3 submitters: Uncertain significance (1); Benign (1). 1 of the submissions does not count toward it. Last evaluated 2024-01-04.

Conditions:
ITGA2-related disorder. Also called: ITGA2-related condition.
Inborn genetic diseases. Identifiers: MedGen C0950123, MeSH D030342.
Platelet-type bleeding disorder 9 (BDPLT9). Also called: GLYCOPROTEIN Ia DEFICIENCY; GP Ia DEFICIENCY; COLLAGEN PLATELET RECEPTOR DEFICIENCY. Identifiers: Orphanet 73271, Orphanet 98886, MedGen C3280114, MONDO:0013622, OMIM 614200.

Allele frequency attached by ClinVar (database versions not stated): gnomAD below 0.00001; TOPMed 0.00001; gnomAD exomes 0.00012; ExAC 0.00016; 1000 Genomes Project 30x 0.00047; 1000 Genomes Project 0.00060.

Submissions (3):

Ambry Genetics
Classification: Uncertain significance for Inborn genetic diseases. Last evaluated: 2024-01-04. Review status: criteria provided, single submitter. Criteria: Ambry Variant Classification Scheme 2023. Collection method: clinical testing. Allele origin: germline.

Illumina Laboratory Services, Illumina
Classification: Benign for Platelet-type bleeding disorder 9. Last evaluated: 2018-01-12. Review status: criteria provided, single submitter. Criteria: ICSL Variant Classification Criteria 13 December 2019. Collection method: clinical testing. Allele origin: germline.
Comment: This variant was observed in the ICSL laboratory as part of a predisposition screen in an ostensibly healthy population. It had not been previously curated by ICSL or reported in the Human Gene Mutation Database (HGMD: prior to June 1st, 2018), and was therefore a candidate for classification through an automated scoring system. Utilizing variant allele frequency, disease prevalence and penetrance estimates, and inheritance mode, an automated score was calculated to assess if this variant is too frequent to cause the disease. Based on the score and internal cut-off values, a variant classified as benign is not then subjected to further curation. The score for this variant resulted in a classification of benign for this disease.

PreventionGenetics, part of Exact Sciences
Classification: Likely benign for ITGA2-related condition. Last evaluated: 2022-06-21. Review status: no assertion criteria provided. Collection method: clinical testing. Allele origin: germline. Not counted in ClinVar's aggregate classification.
Comment: This variant is classified as likely benign based on ACMG/AMP sequence variant interpretation guidelines (Richards et al. 2015 PMID: 25741868, with internal and published modifications).

NM_002203.4(ITGA2):c.1141G>A (p.Val381Met)

Gene: ITGA2 (integrin subunit alpha 2; plus strand). Cytogenetic location: 5q11.2.
Variant type: single nucleotide variant.
Coding change: c.1141G>A on transcript NM_002203.4 (MANE Select); coding-DNA position 1141, G replaced by A.
Protein change: p.Val381Met; replaces valine 381 with methionine.
Molecular consequence: missense variant. On other transcripts: non-coding transcript variant (5).
Genome position (GRCh38, 1-based): chr5:53,058,069, G>A. VCF-style: chr5-53058069-G-A. GRCh37 (hg19) VCF-style: chr5-52353899-G-A.
Other names: short protein forms V381M.
Identifiers: ClinVar variation 904557 (VCV000904557.7), dbSNP rs541732593, ClinGen allele CA3262811.